The following is an entry in ClinVar:

NM_000179.3(MSH6):c.2499G>T (p.Lys833Asn)

Gene: MSH6 (mutS homolog 6; plus strand). Cytogenetic location: 2p16.3.
Variant type: single nucleotide variant.
Coding change: c.2499G>T on transcript NM_000179.3 (MANE Select); coding-DNA position 2499, G replaced by T.
Protein change: p.Lys833Asn; replaces lysine 833 with asparagine.
Molecular consequence: missense variant. On other transcripts: non-coding transcript variant (5), intron variant (3).
Genome position (GRCh38, 1-based): chr2:47,800,482, G>T. VCF-style: chr2-47800482-G-T. GRCh37 (hg19) VCF-style: chr2-48027621-G-T.
Other names: c.2109G>T, p.Lys703Asn (NM_001281492.2); c.1593G>T, p.Lys531Asn (NM_001281493.2, NM_001281494.2, NM_001406811.1 and 6 more transcripts); c.2595G>T, p.Lys865Asn (NM_001406795.1, NM_001406802.1); c.2499G>T, p.Lys833Asn (NM_001406796.1, NM_001406798.1, NM_001406800.1 and 2 more transcripts); c.2202G>T, p.Lys734Asn (NM_001406797.1, NM_001406801.1, NM_001406805.1 and 10 more transcripts); c.1974G>T, p.Lys658Asn (NM_001406799.1, NM_001406806.1, NM_001406807.1); c.2421G>T, p.Lys807Asn (NM_001406804.1); c.2505G>T, p.Lys835Asn (NM_001406813.1); and 4 more; short protein forms K807N, K865N, K531N, K703N, K658N, K833N, K835N, K734N.
Identifiers: ClinVar variation 2453202 (VCV002453202.2), dbSNP rs1558665631, ClinGen allele CA346754241.

ClinVar aggregate classification (germline): Uncertain significance (1 of 4 stars; one submission).

Conditions:
Hereditary cancer-predisposing syndrome. Also called: Neoplastic Syndromes, Hereditary; Tumor predisposition; Hereditary neoplastic syndrome; Hereditary Cancer Syndrome. Identifiers: Orphanet 140162, MedGen C0027672, MeSH D009386, MONDO:0015356.

Submission:

Ambry Genetics
Classification: Uncertain significance for Hereditary cancer-predisposing syndrome. Last evaluated: 2023-01-23. Review status: criteria provided, single submitter. Criteria: Ambry Variant Classification Scheme 2023. Collection method: clinical testing. Allele origin: germline.
Comment: The p.K833N variant (also known as c.2499G>T), located in coding exon 4 of the MSH6 gene, results from a G to T substitution at nucleotide position 2499. The lysine at codon 833 is replaced by asparagine, an amino acid with similar properties. This amino acid position is conserved. In addition, the in silico prediction for this alteration is inconclusive. Since supporting evidence is limited at this time, the clinical significance of this alteration remains unclear.